The following is an entry in ClinVar:

ClinVar aggregate classification (germline): Uncertain significance (1 of 4 stars; one submission).

Allele frequency attached by ClinVar (database versions not stated): TOPMed 0.00001.

Submission:

Ambry Genetics
Classification: Uncertain significance. Last evaluated: 2020-11-24. Review status: criteria provided, single submitter. Criteria: Ambry Variant Classification Scheme 2023. Collection method: clinical testing. Allele origin: germline.
Comment: The c.1376+3C>T intronic variant results from a C to T substitution 3 nucleotides after coding exon 13 in the KIF1B gene. This nucleotide position is well conserved in available vertebrate species. In silico splice site analysis predicts that this alteration will not have any significant effect on splicing. Since supporting evidence is limited at this time, the clinical significance of this alteration remains unclear.

NM_001365951.3(KIF1B):c.1514+3C>T

Gene: KIF1B (kinesin family member 1B; plus strand). Cytogenetic location: 1p36.22.
Variant type: single nucleotide variant.
Coding change: c.1514+3C>T on transcript NM_001365951.3 (MANE Select); 3 bases into the intron after coding-DNA position 1514, C replaced by T.
Molecular consequence: intron variant.
Genome position (GRCh38, 1-based): chr1:10,291,164, C>T. VCF-style: chr1-10291164-C-T. GRCh37 (hg19) VCF-style: chr1-10351222-C-T.
Other names: c.1376+3C>T (NM_183416.4, NM_015074.3, NM_001365953.1); c.1514+3C>T (NM_001365952.1).
Identifiers: ClinVar variation 1771152 (VCV001771152.2), dbSNP rs1649977085, ClinGen allele CA1153192612.